The following is an entry in ClinVar:

ClinVar aggregate classification (germline): Pathogenic (1 of 4 stars; one submission).

Conditions:
Tuberous sclerosis 2 (TSC2). Identifiers: Orphanet 805, MedGen C1860707, MONDO:0013199, OMIM 613254.

Submission:

Labcorp Genetics (formerly Invitae), Labcorp
Classification: Pathogenic for Tuberous sclerosis 2. Last evaluated: 2025-07-16. Review status: criteria provided, single submitter. Criteria: Invitae Variant Classification Sherloc (09022015). Collection method: clinical testing. Allele origin: germline.
Comment: This sequence change creates a premature translational stop signal (p.Thr1206Lysfs*29) in the TSC2 gene. It is expected to result in an absent or disrupted protein product. Loss-of-function variants in TSC2 are known to be pathogenic (PMID: 10205261, 17304050). This variant is not present in population databases (gnomAD no frequency). This variant has not been reported in the literature in individuals affected with TSC2-related conditions. For these reasons, this variant has been classified as Pathogenic.

Literature cited by the submitters: PubMed 10205261; PubMed 17304050.

NM_000548.5(TSC2):c.3613_3616dup (p.Thr1206fs)

Gene: TSC2 (TSC complex subunit 2; plus strand). Cytogenetic location: 16p13.3.
Variant type: Duplication.
Coding change: c.3613_3616dup on transcript NM_000548.5 (MANE Select); coding-DNA positions 3613 to 3616, 4 bases duplicated (AACA; older notation c.3613_3616dupAACA).
Protein change: p.Thr1206fs; shifts the reading frame from threonine 1206.
Molecular consequence: frameshift variant. On other transcripts: non-coding transcript variant (5).
Genome position (GRCh38, 1-based): chr16:2,081,597-2,081,600, AACA duplicated. VCF-style (leftmost placement, unchanged base first): chr16-2081596-G-GAACA. GRCh37 (hg19) VCF-style: chr16-2131597-G-GAACA.
Other names: c.3481_3484dup, p.Thr1162fs (NM_001077183.3, NM_001370404.1, NM_001406665.1); c.3613_3616dup, p.Thr1206fs (NM_001114382.3); c.3373_3376dup, p.Thr1126fs (NM_001318827.2); c.3337_3340dup, p.Thr1114fs (NM_001318829.2); c.2881_2884dup, p.Thr962fs (NM_001318831.2, NM_001406687.1, NM_001406688.1); c.3514_3517dup, p.Thr1173fs (NM_001318832.2); c.3484_3487dup, p.Thr1163fs (NM_001363528.2, NM_001370405.1, NM_021055.3); c.3610_3613dup, p.Thr1205fs (NM_001406663.1, NM_001406664.1); and 18 more; short protein forms T1005fs, T1125fs, T1156fs, T1157fs, T1159fs, T1205fs, T962fs, T1114fs.
Identifiers: ClinVar variation 4723327 (VCV004723327.1).